The following is an entry in ClinVar:

NM_000069.3(CACNA1S):c.1087del (p.Leu363fs)

Gene: CACNA1S (calcium voltage-gated channel subunit alpha1 S; minus strand). Cytogenetic location: 1q32.1.
Variant type: Deletion.
Coding change: c.1087del on transcript NM_000069.3 (MANE Select); coding-DNA position 1087, one base deleted (C; older notation c.1087delC).
Protein change: p.Leu363fs; shifts the reading frame from leucine 363.
Molecular consequence: frameshift variant.
Genome position (GRCh38, 1-based): chr1:201,085,499, G deleted on the plus strand (C on the coding strand, the reverse complement: CACNA1S is on the minus strand); the first of 2 consecutive G bases (chr1:201,085,499-201,085,500); deleting either gives the same sequence. VCF-style (leftmost placement, unchanged base first): chr1-201085498-AG-A. GRCh37 (hg19) VCF-style: chr1-201054626-AG-A.
Other names: short protein forms L363fs.
Identifiers: ClinVar variation 1446481 (VCV001446481.6), dbSNP rs2102154885, ClinGen allele CA2573131418.

ClinVar aggregate classification (germline): Pathogenic (1 of 4 stars; one submission).

Conditions:
Hypokalemic periodic paralysis, type 1. Also called: Hypokalemic Periodic Paralysis Type 1 (AD); HypoPP. Identifiers: Orphanet 681, MedGen C3714580, MONDO:0042979, OMIM 170400.
Malignant hyperthermia, susceptibility to, 5 (MHS5). Also called: CACNA1S-Related Malignant Hyperthermia Susceptibility. Identifiers: Orphanet 423, MedGen C1866077, MONDO:0011163, OMIM 601887.

Submission:

Labcorp Genetics (formerly Invitae), Labcorp
Classification: Pathogenic for Hypokalemic periodic paralysis, type 1; Malignant hyperthermia, susceptibility to, 5. Last evaluated: 2021-07-26. Review status: criteria provided, single submitter. Criteria: Invitae Variant Classification Sherloc (09022015). Collection method: clinical testing. Allele origin: germline.
Comment: This sequence change creates a premature translational stop signal (p.Leu363Phefs*5) in the CACNA1S gene. It is expected to result in an absent or disrupted protein product. Loss-of-function variants in CACNA1S are known to be pathogenic (PMID: 26247046, 28012042). This variant is not present in population databases (ExAC no frequency). This variant has not been reported in the literature in individuals affected with CACNA1S-related conditions. For these reasons, this variant has been classified as Pathogenic.

Literature cited by the submitters: PubMed 26247046; PubMed 28012042.